The following is an entry in ClinVar:

NM_001379500.1(COL18A1):c.2012_2013del (p.Glu671fs)

Gene: COL18A1 (collagen type XVIII alpha 1 chain; plus strand). Cytogenetic location: 21q22.3.
Variant type: Microsatellite.
Coding change: c.2012_2013del on transcript NM_001379500.1 (MANE Select); coding-DNA positions 2012 to 2013, 2 bases deleted (AG; older notation c.2012_2013delAG).
Protein change: p.Glu671fs; shifts the reading frame from glutamic acid 671.
Molecular consequence: frameshift variant.
Genome position (GRCh38, 1-based): chr21:45,490,327-45,490,328, AG deleted; deleting any 2 consecutive bases within chr21:45,490,323-45,490,328 gives the same sequence; the c. name uses the placement nearest the transcript's 3' end. VCF-style (leftmost placement, unchanged base first): chr21-45490322-CAG-C. GRCh37 (hg19) VCF-style: chr21-46910236-CAG-C.
Other names: c.2552_2553del, p.Glu851fs (NM_030582.4); c.3257_3258del, p.Glu1086fs (NM_130444.3); short protein forms E1086fs, E671fs, E851fs.
Identifiers: ClinVar variation 4797847 (VCV004797847.1).

ClinVar aggregate classification (germline): Pathogenic (1 of 4 stars; one submission).

Submission:

Labcorp Genetics (formerly Invitae), Labcorp
Classification: Pathogenic. Last evaluated: 2026-02-01. Review status: criteria provided, single submitter. Criteria: Invitae Variant Classification Sherloc (09022015). Collection method: clinical testing. Allele origin: germline.
Comment: This sequence change creates a premature translational stop signal (p.Glu671Glyfs*58) in the COL18A1 gene. It is expected to result in an absent or disrupted protein product. Loss-of-function variants in COL18A1 are known to be pathogenic (PMID: 12415512, 25456301). This variant is not present in population databases (gnomAD no frequency). This variant has not been reported in the literature in individuals affected with COL18A1-related conditions. For these reasons, this variant has been classified as Pathogenic.

Literature cited by the submitters: PubMed 12415512; PubMed 25456301.